The following is an entry in ClinVar:

NM_005228.5(EGFR):c.913G>A (p.Gly305Ser)

Gene: EGFR (epidermal growth factor receptor; plus strand). Cytogenetic location: 7p11.2.
Variant type: single nucleotide variant.
Coding change: c.913G>A on transcript NM_005228.5 (MANE Select); coding-DNA position 913, G replaced by A.
Protein change: p.Gly305Ser; replaces glycine 305 with serine.
Molecular consequence: missense variant.
Genome position (GRCh38, 1-based): chr7:55,155,853, G>A. VCF-style: chr7-55155853-G-A. GRCh37 (hg19) VCF-style: chr7-55223546-G-A.
Other names: c.778G>A, p.Gly260Ser (NM_001346897.2, NM_001346899.2); c.913G>A, p.Gly305Ser (NM_001346898.2, NM_201282.2, NM_201283.2 and 1 more transcripts); c.754G>A, p.Gly252Ser (NM_001346900.2); c.112G>A, p.Gly38Ser (NM_001346941.2); short protein forms G252S, G305S, G38S, G260S.
Identifiers: ClinVar variation 2109921 (VCV002109921.5), dbSNP rs1278838499, ClinGen allele CA367577964.
Genomic context (GRCh38, chr7:55,155,853, plus strand): 5'-CACCGTCATCACCTTCCTTTCATGCTCTCTTCCCCAGGTAATTATGTGGTGACAGATCAC[G>A]GCTCGTGCGTCCGAGCCTGTGGGGCCGACAGCTATGAGATGGAGGAAGACGGCGTCCGCA-3'
Protein context (NP_005219.2, residues 295-315): CPRNYVVTDH[Gly305Ser]SCVRACGADS

ClinVar aggregate classification (germline): Uncertain significance. Review status: criteria provided, multiple submitters, no conflicts (2 of 4 stars). 2 submissions from 2 submitters: Uncertain significance (2). Last evaluated 2025-07-09.

Conditions:
EGFR-related lung cancer (EGFR). Identifiers: MedGen CN130014.
Hereditary cancer-predisposing syndrome. Also called: Neoplastic Syndromes, Hereditary; Hereditary Cancer Syndrome; Hereditary neoplastic syndrome; Tumor predisposition. Identifiers: Orphanet 140162, MedGen C0027672, MeSH D009386, MONDO:0015356.

Allele frequency attached by ClinVar (database versions not stated): gnomAD exomes below 0.00001.
gnomAD v4.1: 3 of 1,613,992 alleles (0.00019%); highest among the groups gnomAD compares: East Asian, 0.0022%; no homozygotes.

Submissions (2):

Labcorp Genetics (formerly Invitae), Labcorp
Classification: Uncertain significance for EGFR-related lung cancer. Last evaluated: 2025-07-09. Review status: criteria provided, single submitter. Criteria: Invitae Variant Classification Sherloc (09022015). Collection method: clinical testing. Allele origin: germline.
Comment: This sequence change replaces glycine, which is neutral and non-polar, with serine, which is neutral and polar, at codon 305 of the EGFR protein (p.Gly305Ser). This variant is not present in population databases (gnomAD no frequency). This variant has not been reported in the literature in individuals affected with EGFR-related conditions. ClinVar contains an entry for this variant (Variation ID: 2109921). Invitae Evidence Modeling of protein sequence and biophysical properties (such as structural, functional, and spatial information, amino acid conservation, physicochemical variation, residue mobility, and thermodynamic stability) indicates that this missense variant is not expected to disrupt EGFR protein function with a negative predictive value of 80%. In summary, the available evidence is currently insufficient to determine the role of this variant in disease. Therefore, it has been classified as a Variant of Uncertain Significance.

Ambry Genetics
Classification: Uncertain significance for Hereditary cancer-predisposing syndrome. Last evaluated: 2025-04-30. Review status: criteria provided, single submitter. Criteria: Ambry Variant Classification Scheme 2023. Collection method: clinical testing. Allele origin: germline.
Comment: The p.G305S variant (also known as c.913G>A), located in coding exon 8 of the EGFR gene, results from a G to A substitution at nucleotide position 913. The glycine at codon 305 is replaced by serine, an amino acid with similar properties. This amino acid position is highly conserved in available vertebrate species. In addition, the in silico prediction for this alteration is inconclusive. Based on the available evidence, the clinical significance of this variant remains unclear.